The following is an entry in ClinVar:

NM_001819.3(CHGB):c.1142G>T (p.Trp381Leu)

Gene: CHGB (chromogranin B; plus strand). Cytogenetic location: 20p12.3.
Variant type: single nucleotide variant.
Coding change: c.1142G>T on transcript NM_001819.3 (MANE Select); coding-DNA position 1142, G replaced by T.
Protein change: p.Trp381Leu; replaces tryptophan 381 with leucine.
Molecular consequence: missense variant.
Genome position (GRCh38, 1-based): chr20:5,923,286, G>T. VCF-style: chr20-5923286-G-T. GRCh37 (hg19) VCF-style: chr20-5903932-G-T.
Other names: short protein forms W381L.
Identifiers: ClinVar variation 712867 (VCV000712867.6), dbSNP rs142841879, ClinGen allele CA9755662.
Genomic context (GRCh38, chr20:5,923,286, plus strand): 5'-GCTATAGGGGCAGAGGAAGTGAAGAATACAGGGCTCCAAGACCTCAGAGTGAGGAGAGTT[G>T]GGATGAGGAGGACAAGAGAAACTACCCCAGCTTAGAGCTTGATAAGATGGCACATGGATA-3'
Protein context (NP_001810.2, residues 371-391): RAPRPQSEES[Trp381Leu]DEEDKRNYPS

ClinVar aggregate classification (germline): Benign. Review status: criteria provided, single submitter (1 of 4 stars). 2 submissions from 2 submitters: Benign (1). 1 of the submissions does not count toward it. Last evaluated 2019-12-31.

Conditions:
CHGB-related disorder. Also called: CHGB-related condition.

Allele frequency attached by ClinVar (database versions not stated): TOPMed 0.00269; ESP Exome Variant Server 0.00284; 1000 Genomes Project 0.00319; 1000 Genomes Project 30x 0.00344; gnomAD 0.00475; gnomAD exomes 0.00517; ExAC 0.00546.
gnomAD v4.1: 7,156 of 1,613,524 alleles (0.44%); highest among the groups gnomAD compares: Middle Eastern, 0.61%; 44 homozygotes.

Submissions (2):

Labcorp Genetics (formerly Invitae), Labcorp
Classification: Benign. Last evaluated: 2019-12-31. Review status: criteria provided, single submitter. Criteria: Invitae Variant Classification Sherloc (09022015). Collection method: clinical testing. Allele origin: germline.

PreventionGenetics, part of Exact Sciences
Classification: Benign for CHGB-related condition. Last evaluated: 2019-10-28. Review status: no assertion criteria provided. Collection method: clinical testing. Allele origin: germline. Not counted in ClinVar's aggregate classification.
Comment: This variant is classified as benign based on ACMG/AMP sequence variant interpretation guidelines (Richards et al. 2015 PMID: 25741868, with internal and published modifications).